The following is an entry in ClinVar:

ClinVar aggregate classification (germline): Uncertain significance (1 of 4 stars; one submission).

gnomAD v4.1: 3 of 1,613,978 alleles (0.00019%); highest among the groups gnomAD compares: East Asian, 0.0022%; no homozygotes.

Submission:

CeGaT Center for Human Genetics Tuebingen
Classification: Uncertain significance. Last evaluated: 2025-07-01. Review status: criteria provided, single submitter. Criteria: CeGaT Center For Human Genetics Tuebingen Variant Classification Criteria Version 2. Collection method: clinical testing. Allele origin: germline. Affected: yes. Observed: 1 variant allele.
Comment: RHAG: PM2

NM_000324.3(RHAG):c.527C>T (p.Ala176Val)

Gene: RHAG (Rh associated glycoprotein; minus strand). Cytogenetic location: 6p12.3.
Variant type: single nucleotide variant.
Coding change: c.527C>T on transcript NM_000324.3 (MANE Select); coding-DNA position 527, C replaced by T.
Protein change: p.Ala176Val; replaces alanine 176 with valine.
Molecular consequence: missense variant.
Genome position (GRCh38, 1-based): chr6:49,615,737, G>A on the plus strand (C>T on the coding strand, the complement: RHAG is on the minus strand). VCF-style: chr6-49615737-G-A. GRCh37 (hg19) VCF-style: chr6-49583450-G-A.
Other names: short protein forms A176V.
Identifiers: ClinVar variation 4085400 (VCV004085400.8).